The following is an entry in ClinVar:

ClinVar aggregate classification (germline): Likely pathogenic. Review status: reviewed by expert panel (3 of 4 stars). 4 submissions from 4 submitters: Likely pathogenic (1). 3 of the submissions do not count toward it. Last evaluated 2024-08-20.

Conditions:
Arginine:glycine amidinotransferase deficiency (CCDS3). Also called: AGAT deficiency; Creatine deficiency syndrome due to AGAT deficiency; GATM deficiency; L-Arginine:Glycine Amidinotransferase Deficiency; L-Arginine:Glycine Amidinotransferase (AGAT) Deficiency; Cerebral creatine deficiency syndrome 3. Identifiers: Orphanet 35704, MedGen C2675179, MONDO:0012996, OMIM 612718.

Allele frequency attached by ClinVar (database versions not stated): gnomAD exomes below 0.00001; TOPMed 0.00002.
gnomAD v4.1: 2 of 1,613,770 alleles (0.00012%); highest among the groups gnomAD compares: South Asian, 0.0011%; no homozygotes.

Submissions (4):

ClinGen Cerebral Creatine Deficiency Syndromes Variant Curation Expert Panel, ClinGen
Classification: Likely pathogenic for Arginine:glycine amidinotransferase deficiency. Last evaluated: 2024-08-20. Review status: reviewed by expert panel. Criteria: ClinGen_CCDS_ACMG_Specifications_GATM_v1.1. Collection method: curation. Allele origin: germline. Inheritance: Autosomal recessive inheritance.
Comment: The NM_001482.3:c.1237C>T variant in GATM is a missense variant predicted to cause the substitution of an arginine by a tryptophan at amino acid position 413 (p.Arg413Trp). This variant has been detected in one individual with AGAT deficiency who had low guanidinoacetate in plasma and low to low-normal creatine in plasma, as well as significantly decreased creatine peak on brain MRS (PMID 26490222) (PP4_Strong). This individual was compound heterozygous for the variant and a likely pathogenic variant (p.Arg413Gln, ClinVar ID: 2446451), and the variants were confirmed in trans by parental testing (PMID 23660394) (PM3). This variant is absent from gnomAD v2.1.1 (PM2_Supporting). Expression of the variant in HeLa cells resulted in 0% wild type AGAT activity (PMID: 27233232), indicating that this variant may impact protein function (PS3_Supporting). The computational predictor REVEL gives a score of 0.585 which is neither above nor below the thresholds predicting a damaging (>0.75) or benign (<0.15) impact on AGAT function.Another missense variant c.1238G>A, (p.Arg413Gln) (PMID: 23660394, 26490222, 27233232) in the same codon has been classified as likely pathogenic for AGAT deficiency by the ClinGen CCDS VCEP (ClinVar ID: 2446451) (PM5_Supporting). There is a ClinVar entry for this variant (Variation ID: 598112). In summary, this variant meets the criteria to be classified as likely pathogenic for AGAT deficiency based on the ACMG/AMP criteria applied, as specified by the ClinGen Cerebral Creatine Deficiency Syndromes Variant Curation Expert Panel (Specifications Version 1.1.0): PP4_Strong, PM3, PM2_Supporting, PS3_Supporting, PM5_Supporting. (Classification approved by the ClinGen Cerebral Creatine Deficiency Syndromes Variant Curation Expert Panel on August 20, 2024).

Labcorp Genetics (formerly Invitae), Labcorp
Classification: Likely pathogenic for Arginine:glycine amidinotransferase deficiency. Last evaluated: 2025-09-02. Review status: criteria provided, single submitter. Criteria: Invitae Variant Classification Sherloc (09022015). Collection method: clinical testing. Allele origin: germline. Not counted in ClinVar's aggregate classification.
Comment: This sequence change replaces arginine, which is basic and polar, with tryptophan, which is neutral and slightly polar, at codon 413 of the GATM protein (p.Arg413Trp). This variant is not present in population databases (gnomAD no frequency). This missense change has been observed in individual(s) with cerebral creatine deficiency syndrome (PMID: 26490222). ClinVar contains an entry for this variant (Variation ID: 598112). Invitae Evidence Modeling of protein sequence and biophysical properties (such as structural, functional, and spatial information, amino acid conservation, physicochemical variation, residue mobility, and thermodynamic stability) indicates that this missense variant is expected to disrupt GATM protein function with a positive predictive value of 95%. Experimental studies have shown that this missense change affects GATM function (PMID: 27233232). This variant disrupts the p.Arg413 amino acid residue in GATM. Other variant(s) that disrupt this residue have been observed in individuals with GATM-related conditions (PMID: 26490222), which suggests that this may be a clinically significant amino acid residue. In summary, the currently available evidence indicates that the variant is pathogenic, but additional data are needed to prove that conclusively. Therefore, this variant has been classified as Likely Pathogenic.

Women's Health and Genetics/Laboratory Corporation of America, LabCorp
Classification: Likely pathogenic for Arginine:glycine amidinotransferase deficiency. Last evaluated: 2021-10-22. Review status: criteria provided, single submitter. Criteria: LabCorp Variant Classification Summary - May 2015. Collection method: clinical testing. Allele origin: germline. Not counted in ClinVar's aggregate classification.
Comment: Variant summary: GATM c.1237C>T (p.Arg413Trp) results in a non-conservative amino acid change in the encoded protein sequence. Four of five in-silico tools predict a damaging effect of the variant on protein function. The variant was absent in 250540 control chromosomes (gnomAD). c.1237C>T has been reported in the literature in a compound heterozygous individual affected with Arginine:glycine Amidinotransferase Deficiency (Comeaux_2013). Experimental evidence evaluating an impact on protein function demonstrated the variant retained 0% of wild-type GATM activity (DesRoches_2016). A ClinVar submitter (evaluation after 2014) cites the variant as uncertain significance. Based on the evidence outlined above, the variant was classified as likely pathogenic.

Eurofins Ntd Llc (ga)
Classification: Uncertain significance. Last evaluated: 2018-08-13. Review status: criteria provided, single submitter. Criteria: EGL ClinVar v180209 classification definitions. Collection method: clinical testing. Allele origin: germline. Observed: 1 variant allele, 1 heterozygote. Not counted in ClinVar's aggregate classification.

Literature cited by the submitters: PubMed 27233232 (cited by 3 submitters); PubMed 26490222 (cited by Labcorp Genetics (formerly Invitae), Labcorp and Women's Health and Genetics/Laboratory Corporation of America, LabCorp); PubMed 23660394 (cited by Women's Health and Genetics/Laboratory Corporation of America, LabCorp).

NM_001482.3(GATM):c.1237C>T (p.Arg413Trp)

Gene: GATM (glycine amidinotransferase; minus strand). Cytogenetic location: 15q21.1.
Variant type: single nucleotide variant.
Coding change: c.1237C>T on transcript NM_001482.3 (MANE Select); coding-DNA position 1237, C replaced by T.
Protein change: p.Arg413Trp; replaces arginine 413 with tryptophan.
Molecular consequence: missense variant.
Genome position (GRCh38, 1-based): chr15:45,362,144, G>A on the plus strand (C>T on the coding strand, the complement: GATM is on the minus strand). VCF-style: chr15-45362144-G-A. GRCh37 (hg19) VCF-style: chr15-45654342-G-A.
Other names: NM_001482.3(GATM):c.1237C>T; p.Arg413Trp; c.850C>T, p.Arg284Trp (NM_001321015.2); short protein forms R413W, R284W.
Identifiers: ClinVar variation 598112 (VCV000598112.15), dbSNP rs1244824806, ClinGen allele CA392254708.